The following is an entry in ClinVar:

NM_004208.4(AIFM1):c.182G>T (p.Gly61Val)

Genes: AIFM1 (apoptosis inducing factor mitochondria associated 1; minus strand), RAB33A (RAB33A, member RAS oncogene family; plus strand). Cytogenetic location: Xq26.1.
Variant type: single nucleotide variant.
Coding change: c.182G>T on transcript NM_004208.4 (MANE Select); coding-DNA position 182, G replaced by T.
Protein change: p.Gly61Val; replaces glycine 61 with valine.
Molecular consequence: missense variant. On other transcripts: intron variant (1).
Genome position (GRCh38, 1-based): chrX:130,156,528, C>A on the plus strand (G>T on the coding strand, the complement: AIFM1 is on the minus strand). VCF-style: chrX-130156528-C-A. GRCh37 (hg19) VCF-style: chrX-129290502-C-A.
Other names: c.182G>T, p.Gly61Val (NM_001130847.4); c.107-1242G>T (NM_145812.3); short protein forms G61V.
Identifiers: ClinVar variation 3361665 (VCV003361665.1).

ClinVar aggregate classification (germline): Uncertain significance (1 of 4 stars; one submission).

Submission:

GeneDx
Classification: Uncertain significance. Last evaluated: 2023-07-28. Review status: criteria provided, single submitter. Criteria: GeneDx Variant Classification Process June 2021. Collection method: clinical testing. Allele origin: germline. Affected: yes.
Comment: Not observed at significant frequency in large population cohorts (gnomAD); In silico analysis supports that this missense variant has a deleterious effect on protein structure/function; Has not been previously published as pathogenic or benign to our knowledge